The following is an entry in ClinVar:

ClinVar aggregate classification (germline): Pathogenic (1 of 4 stars; one submission).

Conditions:
Epilepsy, familial adult myoclonic, 5 (EPEO5). Also called: CORTICAL MYOCLONIC TREMOR WITH EPILEPSY, FAMILIAL, 5. Identifiers: Orphanet 86814, MedGen C3809374, MONDO:0014167, OMIM 615400.

Submission:

Labcorp Genetics (formerly Invitae), Labcorp
Classification: Pathogenic for Epilepsy, familial adult myoclonic, 5. Last evaluated: 2022-10-26. Review status: criteria provided, single submitter. Criteria: Invitae Variant Classification Sherloc (09022015). Collection method: clinical testing. Allele origin: germline.
Comment: This sequence change creates a premature translational stop signal (p.Gln42*) in the CNTN2 gene. It is expected to result in an absent or disrupted protein product. Loss-of-function variants in CNTN2 are known to be pathogenic (PMID: 11178983, 23518707). This variant is not present in population databases (gnomAD no frequency). This variant has not been reported in the literature in individuals affected with CNTN2-related conditions. For these reasons, this variant has been classified as Pathogenic.

Literature cited by the submitters: PubMed 11178983; PubMed 23518707.

NM_005076.5(CNTN2):c.124C>T (p.Gln42Ter)

Gene: CNTN2 (contactin 2; plus strand). Cytogenetic location: 1q32.1.
Variant type: single nucleotide variant.
Coding change: c.124C>T on transcript NM_005076.5 (MANE Select); coding-DNA position 124, C replaced by T.
Protein change: p.Gln42Ter; replaces glutamine 42 with a stop codon.
Molecular consequence: nonsense. On other transcripts: non-coding transcript variant (1).
Genome position (GRCh38, 1-based): chr1:205,057,974, C>T. VCF-style: chr1-205057974-C-T. GRCh37 (hg19) VCF-style: chr1-205027102-C-T.
Other names: c.124C>T, p.Gln42Ter (NM_001346083.2); short protein forms Q42*.
Identifiers: ClinVar variation 2809835 (VCV002809835.3), dbSNP rs2526345528, ClinGen allele CA344403107.
Genomic context (GRCh38, chr1:205,057,974, plus strand): 5'-CCTGCAGCTTGGAGTTCAGCCCTGGGATCCCAAACCACCTTCGGGCCTGTCTTTGAAGAC[C>T]AGCCCCTCAGTGTGCTATTCCCAGAGGAGTCCACGGAGGAGCAGGTGTTGCTGGCATGCC-3'